The following is an entry in ClinVar:

ClinVar aggregate classification (germline): Pathogenic. Review status: criteria provided, multiple submitters, no conflicts (2 of 4 stars). 2 submissions from 2 submitters: Pathogenic (2). Last evaluated 2025-08-21.

Submissions (2):

Labcorp Genetics (formerly Invitae), Labcorp
Classification: Pathogenic. Last evaluated: 2025-08-21. Review status: criteria provided, single submitter. Criteria: Invitae Variant Classification Sherloc (09022015). Collection method: clinical testing. Allele origin: germline.
Comment: This sequence change replaces cysteine, which is neutral and slightly polar, with serine, which is neutral and polar, at codon 201 of the NOTCH3 protein (p.Cys201Ser). This variant is not present in population databases (gnomAD no frequency). This missense change has been observed in individuals with clinical features of CADASIL (PMID: 28710804, 33942994, 35822697; internal data). ClinVar contains an entry for this variant (Variation ID: 1256533). Invitae Evidence Modeling of protein sequence and biophysical properties (such as structural, functional, and spatial information, amino acid conservation, physicochemical variation, residue mobility, and thermodynamic stability) indicates that this missense variant is expected to disrupt NOTCH3 protein function with a positive predictive value of 95%. This variant disrupts the p.Cys201 amino acid residue in NOTCH3. Other variant(s) that disrupt this residue have been observed in individuals with NOTCH3-related conditions (PMID: 15364702, 16730748; internal data), which suggests that this may be a clinically significant amino acid residue. For these reasons, this variant has been classified as Pathogenic.

Athena Diagnostics
Classification: Pathogenic. Last evaluated: 2022-08-25. Review status: criteria provided, single submitter. Criteria: Athena Diagnostics Criteria. Collection method: clinical testing. Allele origin: unknown.
Comment: This variant has been identified in at least one individual with clinical features of CADASIL. This variant has not been reported in large, multi-ethnic general populations. This variant alters a critical location within the protein, and is expected to severely affect function and cause disease. Greater than 90% of pathogenic variants identified in NOTCH3 involve the gain or loss of a cysteine residue within the epidermal growth factor (EGF)-like repeat domain.

Literature cited by the submitters: PubMed 28710804 (cited by Labcorp Genetics (formerly Invitae), Labcorp and Athena Diagnostics); PubMed 33942994 (cited by Labcorp Genetics (formerly Invitae), Labcorp); PubMed 35822697 (cited by Labcorp Genetics (formerly Invitae), Labcorp); PubMed 15364702 (cited by Labcorp Genetics (formerly Invitae), Labcorp); PubMed 16730748 (cited by Labcorp Genetics (formerly Invitae), Labcorp).

NM_000435.3(NOTCH3):c.602G>C (p.Cys201Ser)

Gene: NOTCH3 (notch receptor 3; minus strand). Cytogenetic location: 19p13.12.
Variant type: single nucleotide variant.
Coding change: c.602G>C on transcript NM_000435.3 (MANE Select); coding-DNA position 602, G replaced by C.
Protein change: p.Cys201Ser; replaces cysteine 201 with serine.
Molecular consequence: missense variant.
Genome position (GRCh38, 1-based): chr19:15,192,037, C>G on the plus strand (G>C on the coding strand, the complement: NOTCH3 is on the minus strand). VCF-style: chr19-15192037-C-G. GRCh37 (hg19) VCF-style: chr19-15302848-C-G.
Other names: short protein forms C201S.
Identifiers: ClinVar variation 1256533 (VCV001256533.8), dbSNP rs1555729468, ClinGen allele CA404533375.